The following is an entry in ClinVar:

ClinVar aggregate classification (germline): Uncertain significance. Review status: criteria provided, multiple submitters, no conflicts (2 of 4 stars). 4 submissions from 3 submitters: Uncertain significance (4). Last evaluated 2023-12-06.

Conditions:
Spinocerebellar ataxia, autosomal recessive, with axonal neuropathy 2 (SCAN2). Also called: ATAXIA-OCULOMOTOR APRAXIA 2; Ataxia-ocular apraxia-2; Ataxia with Oculomotor Apraxia; Ataxia with Oculomotor Apraxia Type 2. Identifiers: Orphanet 64753, MedGen C1853761, MONDO:0018996, OMIM 606002.
Amyotrophic lateral sclerosis type 4 (ALS4). Also called: AMYOTROPHIC LATERAL SCLEROSIS 4, JUVENILE; NEURONOPATHY, DISTAL HEREDITARY MOTOR, WITH PYRAMIDAL FEATURES. Identifiers: Orphanet 357043, MedGen C1865409, MONDO:0011223, OMIM 602433.

Allele frequency attached by ClinVar (database versions not stated): gnomAD exomes below 0.00001 and 0.00001; ExAC 0.00001.
gnomAD v4.1: 8 of 1,613,808 alleles (0.0005%); highest among the groups gnomAD compares: Non-Finnish European, 0.00059%; no homozygotes.

Submissions (4):

Athena Diagnostics
Classification: Uncertain significance. Last evaluated: 2023-12-06. Review status: criteria provided, single submitter. Criteria: Athena Diagnostics Criteria. Collection method: clinical testing. Allele origin: unknown.
Comment: Available data are insufficient to determine the clinical significance of the variant at this time. The frequency of this variant in the general population is uninformative in assessment of its pathogenicity. Computational tools yielded predictions that this variant is unlikely to have an effect on normal RNA splicing.

Labcorp Genetics (formerly Invitae), Labcorp
Classification: Uncertain significance for Amyotrophic lateral sclerosis type 4; Spinocerebellar ataxia, autosomal recessive, with axonal neuropathy 2. Last evaluated: 2023-06-23. Review status: criteria provided, single submitter. Criteria: Invitae Variant Classification Sherloc (09022015). Collection method: clinical testing. Allele origin: germline.
Comment: In summary, the available evidence is currently insufficient to determine the role of this variant in disease. Therefore, it has been classified as a Variant of Uncertain Significance. Variants that disrupt the consensus splice site are a relatively common cause of aberrant splicing (PMID: 17576681, 9536098). Algorithms developed to predict the effect of sequence changes on RNA splicing suggest that this variant is not likely to affect RNA splicing. ClinVar contains an entry for this variant (Variation ID: 912420). This variant has not been reported in the literature in individuals affected with SETX-related conditions. This variant is present in population databases (rs752203746, gnomAD 0.0009%). This sequence change falls in intron 23 of the SETX gene. It does not directly change the encoded amino acid sequence of the SETX protein. It affects a nucleotide within the consensus splice site.

Illumina Laboratory Services, Illumina
Classification: Uncertain significance for Spinocerebellar ataxia, autosomal recessive, with axonal neuropathy 2. Last evaluated: 2018-01-13. Review status: criteria provided, single submitter. Criteria: ICSL Variant Classification Criteria 13 December 2019. Collection method: clinical testing. Allele origin: germline.

Illumina Laboratory Services, Illumina
Classification: Uncertain significance for Amyotrophic lateral sclerosis type 4. Last evaluated: 2018-01-13. Review status: criteria provided, single submitter. Criteria: ICSL Variant Classification Criteria 13 December 2019. Collection method: clinical testing. Allele origin: germline.

Literature cited by the submitters: PubMed 17576681 (cited by Labcorp Genetics (formerly Invitae), Labcorp); PubMed 9536098 (cited by Labcorp Genetics (formerly Invitae), Labcorp).

NM_015046.7(SETX):c.7100+3G>A

Gene: SETX (senataxin; minus strand). Cytogenetic location: 9q34.13.
Variant type: single nucleotide variant.
Coding change: c.7100+3G>A on transcript NM_015046.7 (MANE Select); 3 bases into the intron after coding-DNA position 7100, G replaced by A.
Molecular consequence: intron variant.
Genome position (GRCh38, 1-based): chr9:132,275,253, C>T on the plus strand (G>A on the coding strand, the complement: SETX is on the minus strand). VCF-style: chr9-132275253-C-T. GRCh37 (hg19) VCF-style: chr9-135150640-C-T.
Other names: c.7100+3G>A (NM_001351528.2, NM_001351527.2).
Identifiers: ClinVar variation 912420 (VCV000912420.8), dbSNP rs752203746, ClinGen allele CA5296519.
Genomic context (GRCh38, chr9:132,275,253, plus strand): 5'-CCTTCTATATCCTCTCATTCTAATTCAACAAGAAAATTGGAAATATTTATAAAAATGCCT[C>T]ACCCTTTTCTATCGAACTCTTTGTCCAAATCCTTCTGAATCATCGTCTTCTGGGCCTTGT-3'